The following is an entry in ClinVar:

ClinVar aggregate classification (germline): Likely benign. Review status: criteria provided, multiple submitters, no conflicts (2 of 4 stars). 2 submissions from 2 submitters: Likely benign (2). Last evaluated 2026-03-01.

Allele frequency attached by ClinVar (database versions not stated): gnomAD exomes 0.00001; gnomAD 0.00003; ExAC 0.00006; 1000 Genomes Project 30x 0.00016; 1000 Genomes Project 0.00020.

Submissions (2):

CeGaT Center for Human Genetics Tuebingen
Classification: Likely benign. Last evaluated: 2026-03-01. Review status: criteria provided, single submitter. Criteria: CeGaT Center For Human Genetics Tuebingen Variant Classification Criteria Version 2. Collection method: clinical testing. Allele origin: germline. Affected: yes. Observed: 1 variant allele.
Comment: MYLIP: BP4, BP7

Labcorp Genetics (formerly Invitae), Labcorp
Classification: Likely benign. Last evaluated: 2024-11-16. Review status: criteria provided, single submitter. Criteria: Invitae Variant Classification Sherloc (09022015). Collection method: clinical testing. Allele origin: germline.

NM_013262.4(MYLIP):c.1269G>A (p.Ser423=)

Gene: MYLIP (myosin regulatory light chain interacting protein; plus strand). Cytogenetic location: 6p22.3.
Variant type: single nucleotide variant.
Coding change: c.1269G>A on transcript NM_013262.4 (MANE Select); coding-DNA position 1269, G replaced by A.
Protein change: p.Ser423=; no amino-acid change (serine 423 retained).
Molecular consequence: synonymous variant.
Genome position (GRCh38, 1-based): chr6:16,146,682, G>A. VCF-style: chr6-16146682-G-A. GRCh37 (hg19) VCF-style: chr6-16146913-G-A.
Identifiers: ClinVar variation 2883331 (VCV002883331.7), dbSNP rs201093222, ClinGen allele CA3644689.
Genomic context (GRCh38, chr6:16,146,682, plus strand): 5'-GCTTGCATGCTAACAGAGACTGTTGGCTTTTCTTTCCCAGTCATGTCCCGTCTGCAGGTC[G>A]CGTGTGGAGCATGTCCAGCACGTCTATCTGCCAACGCACACCAGTCTTCTCAATCTGACT-3'
Protein context (NP_037394.2, residues 413-433): AQLQSCPVCR[Ser423=]RVEHVQHVYL